The following is an entry in ClinVar:

ClinVar aggregate classification (germline): Likely benign (1 of 4 stars; one submission).

Allele frequency attached by ClinVar (database versions not stated): gnomAD exomes 0.00005; gnomAD 0.00006; TOPMed 0.00007; ExAC 0.00008.
gnomAD v4.1: 86 of 1,607,862 alleles (0.0053%); highest among the groups gnomAD compares: Middle Eastern, 0.033%; no homozygotes.

Submission:

CeGaT Center for Human Genetics Tuebingen
Classification: Likely benign. Last evaluated: 2026-07-01. Review status: criteria provided, single submitter. Criteria: CeGaT Center For Human Genetics Tuebingen Variant Classification Criteria Version 2. Collection method: clinical testing. Allele origin: germline. Affected: yes. Observed: 2 variant alleles.
Comment: PRMT7: BP4, BP7

NM_019023.5(PRMT7):c.483C>T (p.His161=)

Gene: PRMT7 (protein arginine methyltransferase 7; plus strand). Cytogenetic location: 16q22.1.
Variant type: single nucleotide variant.
Coding change: c.483C>T on transcript NM_019023.5 (MANE Select); coding-DNA position 483, C replaced by T.
Protein change: p.His161=; no amino-acid change (histidine 161 retained).
Molecular consequence: synonymous variant. On other transcripts: non-coding transcript variant (12).
Genome position (GRCh38, 1-based): chr16:68,337,550, C>T. VCF-style: chr16-68337550-C-T. GRCh37 (hg19) VCF-style: chr16-68371453-C-T.
Other names: c.333C>T, p.His111= (NM_001184824.4); c.483C>T, p.His161= (NM_001290018.2, NM_001351143.3, NM_001351144.3 and 1 more transcripts); c.276C>T, p.His92= (NM_001378020.1); c.246C>T, p.His82= (NM_001378021.1, NM_001378022.1, NM_001378023.1).
Identifiers: ClinVar variation 2646655 (VCV002646655.24), dbSNP rs763564051, ClinGen allele CA8127114.